The following is an entry in ClinVar:

NM_152594.3(SPRED1):c.183T>G (p.Arg61=)

Gene: SPRED1 (sprouty related EVH1 domain containing 1; plus strand). Cytogenetic location: 15q14.
Variant type: single nucleotide variant.
Coding change: c.183T>G on transcript NM_152594.3 (MANE Select); coding-DNA position 183, T replaced by G.
Protein change: p.Arg61=; no amino-acid change (arginine 61 retained).
Molecular consequence: synonymous variant.
Genome position (GRCh38, 1-based): chr15:38,299,523, T>G. VCF-style: chr15-38299523-T-G. GRCh37 (hg19) VCF-style: chr15-38591724-T-G.
Other names: c.183T>G (NM_152594.2).
Identifiers: ClinVar variation 3025660 (VCV003025660.23), dbSNP rs1297197855, ClinGen allele CA489922771.

ClinVar aggregate classification (germline): Likely benign. Review status: criteria provided, multiple submitters, no conflicts (2 of 4 stars). 2 submissions from 2 submitters: Likely benign (2). Last evaluated 2024-10-15.

Conditions:
Cardiovascular phenotype. Identifiers: MedGen CN230736.

Allele frequency attached by ClinVar (database versions not stated): gnomAD exomes below 0.00001; gnomAD 0.00001; TOPMed 0.00001.
gnomAD v4.1: 5 of 1,613,886 alleles (0.00031%); highest among the groups gnomAD compares: Non-Finnish European, 0.00042%; no homozygotes.

Submissions (2):

Ambry Genetics
Classification: Likely benign for Cardiovascular phenotype. Last evaluated: 2024-10-15. Review status: criteria provided, single submitter. Criteria: Ambry Variant Classification Scheme 2023. Collection method: clinical testing. Allele origin: germline.

CeGaT Center for Human Genetics Tuebingen
Classification: Likely benign. Last evaluated: 2024-01-01. Review status: criteria provided, single submitter. Criteria: CeGaT Center For Human Genetics Tuebingen Variant Classification Criteria Version 2. Collection method: clinical testing. Allele origin: germline. Affected: yes. Observed: 1 variant allele.
Comment: SPRED1: BP4, BP7